The following is an entry in ClinVar:

NM_004260.4(RECQL4):c.2429_2431del (p.Gln810del)

Gene: RECQL4 (RecQ like helicase 4; minus strand). Cytogenetic location: 8q24.3.
Variant type: Deletion.
Coding change: c.2429_2431del on transcript NM_004260.4 (MANE Select); coding-DNA positions 2429 to 2431, 3 bases deleted (AGC; older notation c.2429_2431delAGC).
Protein change: p.Gln810del; deletes glutamine 810.
Molecular consequence: inframe deletion.
Genome position (GRCh38, 1-based): chr8:144,513,250-144,513,252, GCT deleted on the plus strand (AGC on the coding strand, the reverse complement: RECQL4 is on the minus strand); deleting any 3 consecutive bases within chr8:144,513,250-144,513,254 gives the same sequence; the c. name uses the placement nearest the transcript's 3' end. VCF-style (leftmost placement, unchanged base first): chr8-144513249-GGCT-G. GRCh37 (hg19) VCF-style: chr8-145738632-GGCT-G.
Other names: short protein forms Q810del.
Identifiers: ClinVar variation 1338642 (VCV001338642.11), dbSNP rs2130676571, ClinGen allele CA2573052998.

ClinVar aggregate classification (germline): Uncertain significance. Review status: criteria provided, multiple submitters, no conflicts (2 of 4 stars). 2 submissions from 2 submitters: Uncertain significance (2). Last evaluated 2023-02-01.

Conditions:
Baller-Gerold syndrome (BGS). Also called: CRANIOSYNOSTOSIS WITH RADIAL DEFECTS. Identifiers: Orphanet 1225, MedGen C0265308, MONDO:0009039, OMIM 218600.

Submissions (2):

Labcorp Genetics (formerly Invitae), Labcorp
Classification: Uncertain significance for Baller-Gerold syndrome. Last evaluated: 2023-02-01. Review status: criteria provided, single submitter. Criteria: Invitae Variant Classification Sherloc (09022015). Collection method: clinical testing. Allele origin: germline.
Comment: This variant, c.2429_2431del, results in the deletion of 1 amino acid(s) of the RECQL4 protein (p.Gln810del), but otherwise preserves the integrity of the reading frame. This variant is not present in population databases (gnomAD no frequency). This variant has not been reported in the literature in individuals affected with RECQL4-related conditions. ClinVar contains an entry for this variant (Variation ID: 1338642). Experimental studies and prediction algorithms are not available or were not evaluated, and the functional significance of this variant is currently unknown. In summary, the available evidence is currently insufficient to determine the role of this variant in disease. Therefore, it has been classified as a Variant of Uncertain Significance.

Genetic Services Laboratory, University of Chicago
Classification: Uncertain significance. Last evaluated: 2021-06-04. Review status: criteria provided, single submitter. Criteria: ACMG Guidelines, 2015. Collection method: clinical testing. Allele origin: germline. Affected: no.
Comment: DNA sequence analysis of the RECQL4 gene demonstrated a three base pair deletion in exon 14, c.2429_2431del. This in-frame deletion is predicted to result in the deletion of a single glutamine amino acid residue, p.Gln810del. This sequence changes has not been identified in known population databases. This sequence change does not appear to have been previously described in patients with RECQL4-related disorders. The functional significance of this sequence change is not known at present and its contribution to this patient's disease phenotype cannot definitively be determined.